The following is an entry in ClinVar:

NM_152564.5(VPS13B):c.3619C>A (p.Leu1207Ile)

Gene: VPS13B (vacuolar protein sorting 13 homolog B; plus strand). Cytogenetic location: 8q22.2.
Variant type: single nucleotide variant.
Coding change: c.3619C>A on transcript NM_152564.5 (MANE Select); coding-DNA position 3619, C replaced by A.
Protein change: p.Leu1207Ile; replaces leucine 1207 with isoleucine.
Molecular consequence: missense variant.
Genome position (GRCh38, 1-based): chr8:99,467,587, C>A. VCF-style: chr8-99467587-C-A. GRCh37 (hg19) VCF-style: chr8-100479815-C-A.
Other names: c.3619C>A, p.Leu1207Ile (NM_017890.5); short protein forms L1207I.
Identifiers: ClinVar variation 4991969 (VCV004991969.1).

ClinVar aggregate classification (germline): Uncertain significance (1 of 4 stars; one submission).

Conditions:
VPS13B-related disorder. Also called: VPS13B-related condition.

Submission:

PreventionGenetics, part of Exact Sciences
Classification: Uncertain significance for VPS13B-related condition. Last evaluated: 2026-04-19. Review status: criteria provided, single submitter. Criteria: ACMG Guidelines, 2015. Collection method: clinical testing. Allele origin: germline.
Comment: The VPS13B c.3619C>A variant is predicted to result in the amino acid substitution p.Leu1207Ile. To our knowledge, this variant has not been reported in the literature or in a large population database (gnomAD), indicating this variant is rare. At this time, the clinical significance of this variant is uncertain due to the absence of conclusive functional and genetic evidence.